The following is an entry in ClinVar:

ClinVar aggregate classification (germline): Uncertain significance. Review status: criteria provided, multiple submitters, no conflicts (2 of 4 stars). 2 submissions from 2 submitters: Uncertain significance (2). Last evaluated 2024-09-03.

Submissions (2):

Labcorp Genetics (formerly Invitae), Labcorp
Classification: Uncertain significance. Last evaluated: 2024-09-03. Review status: criteria provided, single submitter. Criteria: Invitae Variant Classification Sherloc (09022015). Collection method: clinical testing. Allele origin: germline.
Comment: This sequence change replaces aspartic acid, which is acidic and polar, with glutamic acid, which is acidic and polar, at codon 1175 of the MTOR protein (p.Asp1175Glu). This variant is not present in population databases (gnomAD no frequency). This variant has not been reported in the literature in individuals affected with MTOR-related conditions. ClinVar contains an entry for this variant (Variation ID: 2581456). Invitae Evidence Modeling of protein sequence and biophysical properties (such as structural, functional, and spatial information, amino acid conservation, physicochemical variation, residue mobility, and thermodynamic stability) indicates that this missense variant is not expected to disrupt MTOR protein function with a negative predictive value of 95%. In summary, the available evidence is currently insufficient to determine the role of this variant in disease. Therefore, it has been classified as a Variant of Uncertain Significance.

Women's Health and Genetics/Laboratory Corporation of America, LabCorp
Classification: Uncertain significance. Last evaluated: 2023-08-30. Review status: criteria provided, single submitter. Criteria: LabCorp Variant Classification Summary - May 2015. Collection method: clinical testing. Allele origin: germline.
Comment: Variant summary: FRAP1 c.3525C>G (p.Asp1175Glu) results in a conservative amino acid change in the encoded protein sequence. Four of five in-silico tools predict a benign effect of the variant on protein function. The variant was absent in 31400 control chromosomes. The available data on variant occurrences in the general population are insufficient to allow any conclusion about variant significance. To our knowledge, no occurrence of c.3525C>G in individuals affected with Smith-Kingsmore Syndrome and no experimental evidence demonstrating its impact on protein function have been reported. No submitters have cited clinical-significance assessments for this variant to ClinVar after 2014. Based on the evidence outlined above, the variant was classified as uncertain significance.

NM_004958.4(MTOR):c.3525C>G (p.Asp1175Glu)

Gene: MTOR (mechanistic target of rapamycin kinase; minus strand). Cytogenetic location: 1p36.22.
Variant type: single nucleotide variant.
Coding change: c.3525C>G on transcript NM_004958.4 (MANE Select); coding-DNA position 3525, C replaced by G.
Protein change: p.Asp1175Glu; replaces aspartic acid 1175 with glutamic acid.
Molecular consequence: missense variant.
Genome position (GRCh38, 1-based): chr1:11,212,348, G>C on the plus strand (C>G on the coding strand, the complement: MTOR is on the minus strand). VCF-style: chr1-11212348-G-C. GRCh37 (hg19) VCF-style: chr1-11272405-G-C.
Other names: c.3525C>G, p.Asp1175Glu (NM_001386500.1); c.2277C>G, p.Asp759Glu (NM_001386501.1); short protein forms D1175E, D759E.
Identifiers: ClinVar variation 2581456 (VCV002581456.3), dbSNP rs2100792856, ClinGen allele CA338372817.